The following is an entry in ClinVar:

ClinVar aggregate classification (germline): Pathogenic (1 of 4 stars; one submission).

Conditions:
Developmental delay with variable intellectual impairment and behavioral abnormalities. Identifiers: MedGen C5193092, MONDO:0032745, OMIM 618430.

Submission:

MVZ Medizinische Genetik Mainz
Classification: Pathogenic for Developmental delay with variable intellectual impairment and behavioral abnormalities. Last evaluated: 2022-09-15. Review status: criteria provided, single submitter. Criteria: UK Practice Guidelines For Variant Classification V4 01 2020. Collection method: clinical testing. Allele origin: germline. Inheritance: Autosomal dominant inheritance. Affected: yes. Observed: 1 variant allele.
Comment: ACMG Criteria: PVS1,PM2_SUP

NM_001378418.1(TCF20):c.5133G>A (p.Trp1711Ter)

Gene: TCF20 (transcription factor 20; minus strand). Cytogenetic location: 22q13.2.
Variant type: single nucleotide variant.
Coding change: c.5133G>A on transcript NM_001378418.1 (MANE Select); coding-DNA position 5133, G replaced by A.
Protein change: p.Trp1711Ter; replaces tryptophan 1711 with a stop codon.
Molecular consequence: nonsense.
Genome position (GRCh38, 1-based): chr22:42,210,173, C>T on the plus strand (G>A on the coding strand, the complement: TCF20 is on the minus strand). VCF-style: chr22-42210173-C-T. GRCh37 (hg19) VCF-style: chr22-42606179-C-T.
Other names: c.5133G>A, p.Trp1711Ter (NM_005650.4, NM_181492.3); short protein forms W1711*.
Identifiers: ClinVar variation 3068370 (VCV003068370.1), dbSNP rs2518201260, ClinGen allele CA411782446.